The following is an entry in ClinVar:

NM_001377.3(DYNC2H1):c.6322T>A (p.Ser2108Thr)

Gene: DYNC2H1 (dynein cytoplasmic 2 heavy chain 1; plus strand). Cytogenetic location: 11q22.3.
Variant type: single nucleotide variant.
Coding change: c.6322T>A on transcript NM_001377.3 (MANE Select); coding-DNA position 6322, T replaced by A.
Protein change: p.Ser2108Thr; replaces serine 2108 with threonine.
Molecular consequence: missense variant.
Genome position (GRCh38, 1-based): chr11:103,179,208, T>A. VCF-style: chr11-103179208-T-A. GRCh37 (hg19) VCF-style: chr11-103049937-T-A.
Other names: c.6322T>A, p.Ser2108Thr (NM_001080463.2); short protein forms S2108T.
Identifiers: ClinVar variation 1379895 (VCV001379895.4), dbSNP rs750436227, ClinGen allele CA6253948.

ClinVar aggregate classification (germline): Uncertain significance. Review status: criteria provided, multiple submitters, no conflicts (2 of 4 stars). 2 submissions from 2 submitters: Uncertain significance (2). Last evaluated 2022-03-09.

Conditions:
Jeune thoracic dystrophy. Also called: Infantile thoracic dystrophy; Thoracic pelvic phalangeal dystrophy; Jeune's syndrome; Chondroectodermal dysplasia-like syndrome; Jeune syndrome; Short-rib thoracic dysplasia. Identifiers: Orphanet 474, MedGen C0265275, MONDO:0018770.

Allele frequency attached by ClinVar (database versions not stated): gnomAD exomes 0.00001 and 0.00003; ExAC 0.00002; TOPMed 0.00002.
gnomAD v4.1: 8 of 1,612,982 alleles (0.0005%); highest among the groups gnomAD compares: Admixed American, 0.013%; no homozygotes.

Submissions (2):

Labcorp Genetics (formerly Invitae), Labcorp
Classification: Uncertain significance for Jeune thoracic dystrophy. Last evaluated: 2022-03-09. Review status: criteria provided, single submitter. Criteria: Invitae Variant Classification Sherloc (09022015). Collection method: clinical testing. Allele origin: germline.
Comment: This sequence change replaces serine, which is neutral and polar, with threonine, which is neutral and polar, at codon 2108 of the DYNC2H1 protein (p.Ser2108Thr). This variant is present in population databases (rs750436227, gnomAD 0.02%). This variant has not been reported in the literature in individuals affected with DYNC2H1-related conditions. Advanced modeling of protein sequence and biophysical properties (such as structural, functional, and spatial information, amino acid conservation, physicochemical variation, residue mobility, and thermodynamic stability) performed at Invitae indicates that this missense variant is not expected to disrupt DYNC2H1 protein function. In summary, the available evidence is currently insufficient to determine the role of this variant in disease. Therefore, it has been classified as a Variant of Uncertain Significance.

Blueprint Genetics
Classification: Uncertain significance. Last evaluated: 2021-10-19. Review status: criteria provided, single submitter. Criteria: ACMG Guidelines, 2015. Collection method: clinical testing. Allele origin: germline.